The following is an entry in ClinVar:

ClinVar aggregate classification (germline): Uncertain significance (1 of 4 stars; one submission).

Conditions:
Beck-Fahrner syndrome (BEFAHRS). Identifiers: Orphanet 684216, MedGen C5394097, MONDO:0032922, OMIM 618798.

Submission:

Juno Genomics, Hangzhou Juno Genomics, Inc
Classification: Uncertain significance for Beck-Fahrner syndrome. Review status: criteria provided, single submitter. Criteria: ACMG Guidelines, 2015. Collection method: clinical testing. Allele origin: germline.
Comment: Absent from controls (or at extremely low frequency if recessive) in Genome Aggregation Database.;Multiple lines of computational evidence suggest no impact on gene or gene product.;Missense variant in a gene that has a low rate of benign missense variation.;Patient's phenotype or family history is highly specific for a disease with a single genetic etiology.

NM_001287491.2(TET3):c.3785C>G (p.Ser1262Cys)

Gene: TET3 (tet methylcytosine dioxygenase 3; plus strand). Cytogenetic location: 2p13.1.
Variant type: single nucleotide variant.
Coding change: c.3785C>G on transcript NM_001287491.2 (MANE Select); coding-DNA position 3785, C replaced by G.
Protein change: p.Ser1262Cys; replaces serine 1262 with cysteine.
Molecular consequence: missense variant.
Genome position (GRCh38, 1-based): chr2:74,100,573, C>G. VCF-style: chr2-74100573-C-G. GRCh37 (hg19) VCF-style: chr2-74327700-C-G.
Other names: c.3506C>G, p.Ser1169Cys (NM_001366022.1); short protein forms S1169C, S1262C.
Identifiers: ClinVar variation 5006337 (VCV005006337.2).